The following is an entry in ClinVar:

ClinVar aggregate classification (germline): Likely benign. Review status: criteria provided, single submitter (1 of 4 stars). 2 submissions from 2 submitters: Likely benign (1). 1 of the submissions does not count toward it. Last evaluated 2024-11-27.

Conditions:
ADIPOR2-related disorder. Also called: ADIPOR2-related condition.

Submissions (2):

Blueprint Genetics
Classification: Likely benign. Last evaluated: 2024-11-27. Review status: criteria provided, single submitter. Criteria: ACMG Guidelines, 2015. Collection method: clinical testing. Allele origin: germline.

PreventionGenetics, part of Exact Sciences
Classification: Likely benign for ADIPOR2-related condition. Last evaluated: 2023-03-21. Review status: no assertion criteria provided. Collection method: clinical testing. Allele origin: germline. Not counted in ClinVar's aggregate classification.
Comment: This variant is classified as likely benign based on ACMG/AMP sequence variant interpretation guidelines (Richards et al. 2015 PMID: 25741868, with internal and published modifications).

NM_024551.3(ADIPOR2):c.651-10dup

Gene: ADIPOR2 (adiponectin receptor 2; plus strand). Cytogenetic location: 12p13.33.
Variant type: Duplication.
Coding change: c.651-10dup on transcript NM_024551.3 (MANE Select); 10 bases into the intron before coding-DNA position 651, one base duplicated (T; older notation c.651-10dupT).
Molecular consequence: intron variant.
Genome position (GRCh38, 1-based): chr12:1,780,879, T duplicated; the last of 10 consecutive T bases (chr12:1,780,870-1,780,879); duplicating any one gives the same sequence. VCF-style (leftmost placement, unchanged base first): chr12-1780869-A-AT. GRCh37 (hg19) VCF-style: chr12-1890035-A-AT.
Other names: c.651-10dup (NM_001375364.1, NM_001375365.1, NM_001375363.1).
Identifiers: ClinVar variation 3056279 (VCV003056279.3), dbSNP rs745813254, ClinGen allele CA6385792.